The following is an entry in ClinVar:

ClinVar aggregate classification (germline): Uncertain significance (1 of 4 stars; one submission).

Conditions:
Holoprosencephaly sequence (HPE). Also called: Holoprosencephaly. Identifiers: Orphanet 2162, MedGen C0079541, MONDO:0016296, HP:0001360.

Submission:

Labcorp Genetics (formerly Invitae), Labcorp
Classification: Uncertain significance for Holoprosencephaly sequence. Last evaluated: 2022-12-26. Review status: criteria provided, single submitter. Criteria: Invitae Variant Classification Sherloc (09022015). Collection method: clinical testing. Allele origin: germline.
Comment: In summary, the available evidence is currently insufficient to determine the role of this variant in disease. Therefore, it has been classified as a Variant of Uncertain Significance. Advanced modeling of protein sequence and biophysical properties (such as structural, functional, and spatial information, amino acid conservation, physicochemical variation, residue mobility, and thermodynamic stability) performed at Invitae indicates that this missense variant is not expected to disrupt FOXH1 protein function. This variant has not been reported in the literature in individuals affected with FOXH1-related conditions. This variant is not present in population databases (gnomAD no frequency). This sequence change replaces serine, which is neutral and polar, with arginine, which is basic and polar, at codon 189 of the FOXH1 protein (p.Ser189Arg).

NM_003923.3(FOXH1):c.567C>A (p.Ser189Arg)

Gene: FOXH1 (forkhead box H1; minus strand). Cytogenetic location: 8q24.3.
Variant type: single nucleotide variant.
Coding change: c.567C>A on transcript NM_003923.3 (MANE Select); coding-DNA position 567, C replaced by A.
Protein change: p.Ser189Arg; replaces serine 189 with arginine.
Molecular consequence: missense variant.
Genome position (GRCh38, 1-based): chr8:144,474,769, G>T on the plus strand (C>A on the coding strand, the complement: FOXH1 is on the minus strand). VCF-style: chr8-144474769-G-T. GRCh37 (hg19) VCF-style: chr8-145700152-G-T.
Other names: short protein forms S189R.
Identifiers: ClinVar variation 2966939 (VCV002966939.3), dbSNP rs1192029881, ClinGen allele CA372724410.